The following is an entry in ClinVar:

NM_004963.4(GUCY2C):c.1534-19A>G

Gene: GUCY2C (guanylate cyclase 2C; minus strand). Cytogenetic location: 12p12.3.
Variant type: single nucleotide variant.
Coding change: c.1534-19A>G on transcript NM_004963.4 (MANE Select); 19 bases into the intron before coding-DNA position 1534, A replaced by G.
Molecular consequence: intron variant.
Genome position (GRCh38, 1-based): chr12:14,652,049, T>C on the plus strand (A>G on the coding strand, the complement: GUCY2C is on the minus strand). VCF-style: chr12-14652049-T-C. GRCh37 (hg19) VCF-style: chr12-14804983-T-C.
Identifiers: ClinVar variation 1505232 (VCV001505232.6), dbSNP rs1947670642, ClinGen allele CA945009243.

ClinVar aggregate classification (germline): Uncertain significance (1 of 4 stars; one submission).

Allele frequency attached by ClinVar (database versions not stated): gnomAD 0.00001.
gnomAD v4.1: 1 of 1,473,650 alleles (0.000068%); highest among the groups gnomAD compares: Admixed American, 0.0017%; no homozygotes.

Submission:

Labcorp Genetics (formerly Invitae), Labcorp
Classification: Uncertain significance. Last evaluated: 2021-09-26. Review status: criteria provided, single submitter. Criteria: Invitae Variant Classification Sherloc (09022015). Collection method: clinical testing. Allele origin: germline.
Comment: In summary, the available evidence is currently insufficient to determine the role of this variant in disease. Therefore, it has been classified as a Variant of Uncertain Significance. Algorithms developed to predict the effect of sequence changes on RNA splicing suggest that this variant may create or strengthen a splice site. This variant has not been reported in the literature in individuals affected with GUCY2C-related conditions. This variant is not present in population databases (ExAC no frequency). This sequence change falls in intron 13 of the GUCY2C gene. It does not directly change the encoded amino acid sequence of the GUCY2C protein.